The following is an entry in ClinVar:

ClinVar aggregate classification (germline): Uncertain significance (1 of 4 stars; one submission).

gnomAD v4.1: 1 of 1,614,190 alleles (0.000062%); highest among the groups gnomAD compares: Non-Finnish European, 0.000085%; no homozygotes.

Submission:

GeneDx
Classification: Uncertain significance. Last evaluated: 2024-07-15. Review status: criteria provided, single submitter. Criteria: GeneDx Variant Classification Process June 2021. Collection method: clinical testing. Allele origin: germline. Affected: yes.
Comment: Not observed at significant frequency in large population cohorts (gnomAD); In silico analysis supports that this missense variant has a deleterious effect on protein structure/function; Has not been previously published as pathogenic or benign to our knowledge

NM_001195.5(BFSP1):c.1450T>C (p.Phe484Leu)

Gene: BFSP1 (beaded filament structural protein 1; minus strand). Cytogenetic location: 20p12.1.
Variant type: single nucleotide variant.
Coding change: c.1450T>C on transcript NM_001195.5 (MANE Select); coding-DNA position 1450, T replaced by C.
Protein change: p.Phe484Leu; replaces phenylalanine 484 with leucine.
Molecular consequence: missense variant.
Genome position (GRCh38, 1-based): chr20:17,494,622, A>G on the plus strand (T>C on the coding strand, the complement: BFSP1 is on the minus strand). VCF-style: chr20-17494622-A-G. GRCh37 (hg19) VCF-style: chr20-17475267-A-G.
Other names: c.1075T>C, p.Phe359Leu (NM_001161705.2); c.1033T>C, p.Phe345Leu (NM_001278606.2, NM_001278608.2); c.1117T>C, p.Phe373Leu (NM_001278607.2); c.1342T>C, p.Phe448Leu (NM_001424338.1); short protein forms F345L, F359L, F373L, F448L, F484L.
Identifiers: ClinVar variation 3573691 (VCV003573691.1).
Genomic context (GRCh38, chr20:17,494,622, plus strand): 5'-CAGAGTCTTCCGCAACAGAAACAGCCACCCCACCTTTAGCTGTGATGGAGGAGACATAGA[A>G]TCTAGGGTCCACGTAATTGGCATCCCCTGTGACCAGCACGTGCCGCTCTTTGGTGTAGAG-3'
Protein context (NP_001186.1, residues 474-494): TGDANYVDPR[Phe484Leu]YVSSITAKGG